The following is an entry in ClinVar:

NC_000010.10:g.(?_67726350)_(67748575_?)del

Gene: CTNNA3 (catenin alpha 3; minus strand). Cytogenetic location: 10q21.3.
Variant type: Deletion.
Identifiers: ClinVar variation 474803 (VCV000474803.9).

ClinVar aggregate classification (germline): Uncertain significance (1 of 4 stars; one submission).

Conditions:
Arrhythmogenic right ventricular dysplasia 13. Also called: ARRHYTHMOGENIC RIGHT VENTRICULAR CARDIOMYOPATHY 13; Arrhythmogenic right ventricular dysplasia, familial, 13. Identifiers: MedGen C3810138, MONDO:0000908, OMIM 615616.

Submission:

Labcorp Genetics (formerly Invitae), Labcorp
Classification: Uncertain significance for Arrhythmogenic right ventricular dysplasia 13. Last evaluated: 2023-11-14. Review status: criteria provided, single submitter. Criteria: Invitae Variant Classification Sherloc (09022015). Collection method: clinical testing. Allele origin: germline.
Comment: This variant is a gross deletion of the genomic region encompassing exon(s) 16-17 of the CTNNA3 gene. This deletion is out-of-frame, and is expected to create a premature translational stop signal and result in an absent or disrupted protein product. However, the current clinical and genetic evidence is not sufficient to establish whether loss-of-function variants in CTNNA3 cause disease. This variant has not been reported in the literature in individuals affected with CTNNA3-related conditions. In summary, the available evidence is currently insufficient to determine the role of this variant in disease. Therefore, it has been classified as a Variant of Uncertain Significance.